The following is an entry in ClinVar:

ClinVar aggregate classification (germline): Pathogenic (1 of 4 stars; one submission).

Conditions:
Melanoma, cutaneous malignant, susceptibility to, 8. Also called: MELANOMA AND RENAL CELL CARCINOMA, SUSCEPTIBILITY TO; Cutaneous malignant melanoma 8. Identifiers: Orphanet 293822, MedGen C3152204, MONDO:0013759, OMIM 614456.
Tietz syndrome (TADS). Also called: TIETZ ALBINISM-DEAFNESS SYNDROME; ALBINISM-DEAFNESS OF TIETZ; HYPOPIGMENTATION/DEAFNESS OF TIETZ. Identifiers: Orphanet 42665, MedGen C0391816, MONDO:0007077, OMIM 103500.
Waardenburg syndrome type 2A (WS2A). Also called: WAARDENBURG SYNDROME WITHOUT DYSTOPIA CANTHORUM. Identifiers: Orphanet 3440, MedGen C1860339, MONDO:0008671, OMIM 193510.

Submission:

Labcorp Genetics (formerly Invitae), Labcorp
Classification: Pathogenic for Melanoma, cutaneous malignant, susceptibility to, 8; Waardenburg syndrome type 2A; Tietz syndrome. Last evaluated: 2025-11-22. Review status: criteria provided, single submitter. Criteria: Invitae Variant Classification Sherloc (09022015). Collection method: clinical testing. Allele origin: germline.
Comment: This sequence change creates a premature translational stop signal (p.Tyr35*) in the MITF gene. It is expected to result in an absent or disrupted protein product. Loss-of-function variants in MITF are known to be pathogenic (PMID: 8659547, 20127975). This variant is not present in population databases (gnomAD no frequency). This variant has not been reported in the literature in individuals affected with MITF-related conditions. For these reasons, this variant has been classified as Pathogenic.

Literature cited by the submitters: PubMed 8659547; PubMed 20127975.

NM_001354604.2(MITF):c.426C>G (p.Tyr142Ter)

Gene: MITF (melanocyte inducing transcription factor; plus strand). Cytogenetic location: 3p13.
Variant type: single nucleotide variant.
Coding change: c.426C>G on transcript NM_001354604.2 (MANE Select); coding-DNA position 426, C replaced by G.
Protein change: p.Tyr142Ter; replaces tyrosine 142 with a stop codon.
Molecular consequence: nonsense. On other transcripts: intron variant (1).
Genome position (GRCh38, 1-based): chr3:69,937,893, C>G. VCF-style: chr3-69937893-C-G. GRCh37 (hg19) VCF-style: chr3-69987044-C-G.
Other names: c.105C>G, p.Tyr35Ter (NM_000248.4, NM_001184968.2, NM_198158.3); c.270C>G, p.Tyr90Ter (NM_001184967.2, NM_001354608.2); c.423C>G, p.Tyr141Ter (NM_001354605.2, NM_001354606.2, NM_006722.3); c.375C>G, p.Tyr125Ter (NM_001354607.2); c.426C>G, p.Tyr142Ter (NM_198159.3); c.378C>G, p.Tyr126Ter (NM_198177.3); c.93+12C>G (NM_198178.3); short protein forms Y125*, Y126*, Y35*, Y90*, Y142*, Y141*.
Identifiers: ClinVar variation 4786768 (VCV004786768.1).